The following is an entry in ClinVar:

ClinVar aggregate classification (germline): Uncertain significance (1 of 4 stars; one submission).

Conditions:
Achondrogenesis, type IB (ACG1B). Also called: Achondrogenesis Type 1B. Identifiers: Orphanet 932, Orphanet 93298, MedGen C0265274, MONDO:0010966, OMIM 600972.
Multiple epiphyseal dysplasia type 4 (EDM4). Also called: Multiple Epiphyseal Dysplasia, Recessive; MULTIPLE EPIPHYSEAL DYSPLASIA WITH BILAYERED PATELLAE; MULTIPLE EPIPHYSEAL DYSPLASIA WITH CLUBFOOT; MULTIPLE EPIPHYSEAL DYSPLASIA, AUTOSOMAL RECESSIVE; SLC26A2-Related Multiple Epiphyseal Dysplasia. Identifiers: Orphanet 93307, MedGen C1847593, MONDO:0009189, OMIM 226900.
Atelosteogenesis type II (AO2). Also called: NEONATAL OSSEOUS DYSPLASIA I; Neonatal osseous dysplasia 1; SLC26A2-Related Atelosteogenesis. Identifiers: Orphanet 56304, MedGen C1850554, MONDO:0009727, OMIM 256050.
Diastrophic dysplasia (DTD). Also called: Diastrophic dwarfism. Identifiers: Orphanet 628, MedGen C0220726, MONDO:0009107, OMIM 222600.

Allele frequency attached by ClinVar (database versions not stated): gnomAD exomes 0.00001; TOPMed 0.00001.
gnomAD v4.1: 8 of 1,614,036 alleles (0.0005%); highest among the groups gnomAD compares: Admixed American, 0.0067%; no homozygotes.

Submission:

Labcorp Genetics (formerly Invitae), Labcorp
Classification: Uncertain significance for Atelosteogenesis type II; Multiple epiphyseal dysplasia type 4; Achondrogenesis, type IB; Diastrophic dysplasia. Last evaluated: 2022-10-14. Review status: criteria provided, single submitter. Criteria: Invitae Variant Classification Sherloc (09022015). Collection method: clinical testing. Allele origin: germline.
Comment: This sequence change replaces asparagine, which is neutral and polar, with serine, which is neutral and polar, at codon 687 of the SLC26A2 protein (p.Asn687Ser). This variant is present in population databases (no rsID available, gnomAD 0.003%). This variant has not been reported in the literature in individuals affected with SLC26A2-related conditions. Advanced modeling of protein sequence and biophysical properties (such as structural, functional, and spatial information, amino acid conservation, physicochemical variation, residue mobility, and thermodynamic stability) performed at Invitae indicates that this missense variant is not expected to disrupt SLC26A2 protein function. In summary, the available evidence is currently insufficient to determine the role of this variant in disease. Therefore, it has been classified as a Variant of Uncertain Significance.

NM_000112.4(SLC26A2):c.2060A>G (p.Asn687Ser)

Gene: SLC26A2 (solute carrier family 26 member 2; plus strand). Cytogenetic location: 5q32.
Variant type: single nucleotide variant.
Coding change: c.2060A>G on transcript NM_000112.4 (MANE Select); coding-DNA position 2060, A replaced by G.
Protein change: p.Asn687Ser; replaces asparagine 687 with serine.
Molecular consequence: missense variant.
Genome position (GRCh38, 1-based): chr5:149,981,653, A>G. VCF-style: chr5-149981653-A-G. GRCh37 (hg19) VCF-style: chr5-149361216-A-G.
Other names: short protein forms N687S.
Identifiers: ClinVar variation 2061524 (VCV002061524.1), dbSNP rs1194723014, ClinGen allele CA361709723.